The following is an entry in ClinVar:

ClinVar aggregate classification (germline): Uncertain significance (1 of 4 stars; one submission).

Conditions:
Inborn genetic diseases. Identifiers: MedGen C0950123, MeSH D030342.

Submission:

Ambry Genetics
Classification: Uncertain significance for Inborn genetic diseases. Last evaluated: 2026-07-27. Review status: criteria provided, single submitter. Criteria: Ambry Variant Classification Scheme 2023. Collection method: clinical testing. Allele origin: germline.
Comment: The p.P1332T variant (also known as c.3994C>A), located in coding exon 40 of the FANCA gene, results from a C to A substitution at nucleotide position 3994. The proline at codon 1332 is replaced by threonine, an amino acid with highly similar properties. This amino acid position is conserved. In addition, this alteration is predicted to be deleterious by in silico analysis. Based on the available evidence, the clinical significance of this variant remains unclear.

NM_000135.4(FANCA):c.3994C>A (p.Pro1332Thr)

Genes: FANCA (FA complementation group A; minus strand), ZNF276 (zinc finger protein 276; plus strand). Cytogenetic location: 16q24.3.
Variant type: single nucleotide variant.
Coding change: c.3994C>A on transcript NM_000135.4 (MANE Select); coding-DNA position 3994, C replaced by A.
Protein change: p.Pro1332Thr; replaces proline 1332 with threonine.
Molecular consequence: missense variant. On other transcripts: 3 prime UTR variant (2), non-coding transcript variant (4).
Genome position (GRCh38, 1-based): chr16:89,739,494, G>T on the plus strand (C>A on the coding strand, the complement: FANCA is on the minus strand). VCF-style: chr16-89739494-G-T. GRCh37 (hg19) VCF-style: chr16-89805902-G-T.
Other names: c.3994C>A, p.Pro1332Thr (NM_001286167.3); c.*1248G>T (NM_001113525.2, NM_152287.4); short protein forms P1332T.
Identifiers: ClinVar variation 5036376 (VCV005036376.1).
Genomic context (GRCh38, chr16:89,739,494, plus strand): 5'-GGGAAACACTGCCCAGCCCTGACCAGCCCTGTGGGTGGAGGTACCTGTAAAAAGCGAAAG[G>T]CAGCAGCCTGGTGTGCTGATCCGGGGCCACACGGAGGAGGAGCCGCCCCAGCCTGAGGTC-3'
Protein context (NP_000126.2, residues 1322-1342): VAPDQHTRLL[Pro1332Thr]FAFYSLLSYF